The following is an entry in ClinVar:

ClinVar aggregate classification (germline): Uncertain significance (1 of 4 stars; one submission).

Conditions:
Cardiomyopathy (CMYO). Also called: Cardiomyopathies. Identifiers: Orphanet 167848, MedGen C0878544, MONDO:0004994, HP:0001638. Inheritance: Various modes of inheritance.

Submission:

Color Diagnostics, LLC DBA Color Health
Classification: Uncertain significance for Cardiomyopathy. Last evaluated: 2024-03-06. Review status: criteria provided, single submitter. Criteria: ACMG Guidelines, 2015. Collection method: clinical testing. Allele origin: germline.
Comment: This missense variant replaces asparagine with tyrosine at codon 47 of the MYL2 protein. Computational prediction suggests that this variant may not impact protein structure and function (internally defined REVEL score threshold <= 0.5, PMID: 27666373). To our knowledge, functional studies have not been reported for this variant. This variant has not been reported in individuals affected with cardiovascular disorders in the literature. This variant has not been identified in the general population by the Genome Aggregation Database (gnomAD). The available evidence is insufficient to determine the role of this variant in disease conclusively. Therefore, this variant is classified as a Variant of Uncertain Significance.

NM_000432.4(MYL2):c.139A>T (p.Asn47Tyr)

Gene: MYL2 (myosin light chain 2; minus strand). Cytogenetic location: 12q24.11.
Variant type: single nucleotide variant.
Coding change: c.139A>T on transcript NM_000432.4 (MANE Select); coding-DNA position 139, A replaced by T.
Protein change: p.Asn47Tyr; replaces asparagine 47 with tyrosine.
Molecular consequence: missense variant.
Genome position (GRCh38, 1-based): chr12:110,915,745, T>A on the plus strand (A>T on the coding strand, the complement: MYL2 is on the minus strand). VCF-style: chr12-110915745-T-A. GRCh37 (hg19) VCF-style: chr12-111353549-T-A.
Other names: short protein forms N47Y.
Identifiers: ClinVar variation 1171921 (VCV001171921.3), dbSNP rs2136774049, ClinGen allele CA386699311.